The following is an entry in ClinVar:

NM_005359.6(SMAD4):c.631A>G (p.Thr211Ala)

Gene: SMAD4 (SMAD family member 4; plus strand). Cytogenetic location: 18q21.2.
Variant type: single nucleotide variant.
Coding change: c.631A>G on transcript NM_005359.6 (MANE Select); coding-DNA position 631, A replaced by G.
Protein change: p.Thr211Ala; replaces threonine 211 with alanine.
Molecular consequence: missense variant.
Genome position (GRCh38, 1-based): chr18:51,054,957, A>G. VCF-style: chr18-51054957-A-G. GRCh37 (hg19) VCF-style: chr18-48581327-A-G.
Other names: short protein forms T211A.
Identifiers: ClinVar variation 959488 (VCV000959488.9), dbSNP rs1909801735, ClinGen allele CA402461225.
Genomic context (GRCh38, chr18:51,054,957, plus strand): 5'-TCGACAGAGACATACAGCACCCCAGCTCTGTTAGCCCCATCTGAGTCTAATGCTACCAGC[A>G]CTGCCAACTTTCCCAACATTCCTGTGGCTTCCACAAGTGAGTTCTAGAATCAGATGTAGT-3'
Protein context (NP_005350.1, residues 201-221): LAPSESNATS[Thr211Ala]ANFPNIPVAS

ClinVar aggregate classification (germline): Uncertain significance (1 of 4 stars; one submission).

Conditions:
Juvenile polyposis syndrome (JPS). Identifiers: Orphanet 2929, MedGen C0345893, MONDO:0017380, OMIM 174900.

Allele frequency attached by ClinVar (database versions not stated): gnomAD exomes below 0.00001.
gnomAD v4.1: 2 of 1,614,178 alleles (0.00012%); highest among the groups gnomAD compares: Non-Finnish European, 0.00017%; no homozygotes.

Submission:

Labcorp Genetics (formerly Invitae), Labcorp
Classification: Uncertain significance for Juvenile polyposis syndrome. Last evaluated: 2024-05-20. Review status: criteria provided, single submitter. Criteria: Invitae Variant Classification Sherloc (09022015). Collection method: clinical testing. Allele origin: germline.
Comment: This sequence change replaces threonine, which is neutral and polar, with alanine, which is neutral and non-polar, at codon 211 of the SMAD4 protein (p.Thr211Ala). This variant is not present in population databases (gnomAD no frequency). This variant has not been reported in the literature in individuals affected with SMAD4-related conditions. ClinVar contains an entry for this variant (Variation ID: 959488). Advanced modeling of protein sequence and biophysical properties (such as structural, functional, and spatial information, amino acid conservation, physicochemical variation, residue mobility, and thermodynamic stability) performed at Invitae indicates that this missense variant is not expected to disrupt SMAD4 protein function with a negative predictive value of 95%. In summary, the available evidence is currently insufficient to determine the role of this variant in disease. Therefore, it has been classified as a Variant of Uncertain Significance.